The following is an entry in ClinVar:

ClinVar aggregate classification (germline): Uncertain significance. Review status: criteria provided, multiple submitters, no conflicts (2 of 4 stars). 6 submissions from 6 submitters: Uncertain significance (6). Last evaluated 2025-07-03.

Conditions:
Hereditary cancer-predisposing syndrome. Also called: Hereditary neoplastic syndrome; Tumor predisposition; Hereditary Cancer Syndrome; Neoplastic Syndromes, Hereditary. Identifiers: Orphanet 140162, MedGen C0027672, MeSH D009386, MONDO:0015356.
Lynch syndrome. Identifiers: Orphanet 144, MedGen C4552100, MONDO:0005835. Disease mechanism: loss of function.
Endometrial carcinoma. Also called: Endometrial carcinoma, somatic. Identifiers: MedGen C0476089, MONDO:0002447, OMIM 608089, HP:0012114.
Hereditary nonpolyposis colorectal neoplasms. Identifiers: MedGen C0009405, MeSH D003123.

gnomAD v4.1: 1 of 1,614,160 alleles (0.000062%); highest among the groups gnomAD compares: Non-Finnish European, 0.000085%; no homozygotes.

Submissions (6):

Labcorp Genetics (formerly Invitae), Labcorp
Classification: Uncertain significance for Hereditary nonpolyposis colorectal neoplasms. Last evaluated: 2025-07-03. Review status: criteria provided, single submitter. Criteria: Invitae Variant Classification Sherloc (09022015). Collection method: clinical testing. Allele origin: germline.
Comment: This sequence change replaces phenylalanine, which is neutral and non-polar, with valine, which is neutral and non-polar, at codon 1103 of the MSH6 protein (p.Phe1103Val). This variant is not present in population databases (gnomAD no frequency). This variant has not been reported in the literature in individuals affected with MSH6-related conditions. ClinVar contains an entry for this variant (Variation ID: 491936). Invitae Evidence Modeling of protein sequence and biophysical properties (such as structural, functional, and spatial information, amino acid conservation, physicochemical variation, residue mobility, and thermodynamic stability) indicates that this missense variant is not expected to disrupt MSH6 protein function with a negative predictive value of 95%. In summary, the available evidence is currently insufficient to determine the role of this variant in disease. Therefore, it has been classified as a Variant of Uncertain Significance.

All of Us Research Program, National Institutes of Health
Classification: Uncertain significance for Lynch syndrome. Last evaluated: 2024-05-09. Review status: criteria provided, single submitter. Criteria: ACMG Guidelines, 2015. Collection method: clinical testing. Allele origin: germline. Inheritance: Autosomal dominant inheritance. Observed: 1 variant allele, 1 heterozygote.
Comment: This study involves interpretation of variants in research participants for the purpose of population health screening. Participant phenotype was not available at the time of variant classification. Additional details can be found in publication PMID: 35346344, PMCID: PMC8962531

Baylor Genetics
Classification: Uncertain significance for Endometrial carcinoma. Last evaluated: 2023-08-09. Review status: criteria provided, single submitter. Criteria: ACMG Guidelines, 2015. Collection method: clinical testing. Allele origin: unknown.

Ambry Genetics
Classification: Uncertain significance for Hereditary cancer-predisposing syndrome. Last evaluated: 2023-07-17. Review status: criteria provided, single submitter. Criteria: Ambry Variant Classification Scheme 2023. Collection method: clinical testing. Allele origin: germline.
Comment: The p.F1103V variant (also known as c.3307T>G), located in coding exon 5 of the MSH6 gene, results from a T to G substitution at nucleotide position 3307. The phenylalanine at codon 1103 is replaced by valine, an amino acid with highly similar properties. This alteration was detected in a cohort of 1663 Brazilian breast cancer patients who underwent hereditary multigene panel testing (Guindalini RSC et al. Sci Rep, 2022 Mar;12:4190). This amino acid position is highly conserved in available vertebrate species. In addition, this alteration is predicted to be deleterious by in silico analysis. Since supporting evidence is limited at this time, the clinical significance of this alteration remains unclear.

Color Diagnostics, LLC DBA Color Health
Classification: Uncertain significance for Hereditary cancer-predisposing syndrome. Last evaluated: 2018-09-05. Review status: criteria provided, single submitter. Criteria: ACMG Guidelines, 2015. Collection method: clinical testing. Allele origin: germline.

Mendelics
Classification: Uncertain significance for Lynch syndrome. Last evaluated: 2018-07-02. Review status: criteria provided, single submitter. Criteria: Mendelics Assertion Criteria 2017. Collection method: clinical testing. Allele origin: unknown.

Literature cited by the submitters: PubMed 35264596 (cited by Ambry Genetics).

NM_000179.3(MSH6):c.3307T>G (p.Phe1103Val)

Gene: MSH6 (mutS homolog 6; plus strand). Cytogenetic location: 2p16.3.
Variant type: single nucleotide variant.
Coding change: c.3307T>G on transcript NM_000179.3 (MANE Select); coding-DNA position 3307, T replaced by G.
Protein change: p.Phe1103Val; replaces phenylalanine 1103 with valine.
Molecular consequence: missense variant.
Genome position (GRCh38, 1-based): chr2:47,803,554, T>G. VCF-style: chr2-47803554-T-G. GRCh37 (hg19) VCF-style: chr2-48030693-T-G.
Other names: c.2917T>G, p.Phe973Val (NM_001281492.2); c.2401T>G, p.Phe801Val (NM_001281493.2, NM_001281494.2); short protein forms F1103V, F801V, F973V.
Identifiers: ClinVar variation 491936 (VCV000491936.18), dbSNP rs1553331522, ClinGen allele CA346758568.